The following is an entry in ClinVar:

ClinVar aggregate classification (germline): Uncertain significance. Review status: criteria provided, multiple submitters, no conflicts (2 of 4 stars). 3 submissions from 3 submitters: Uncertain significance (3). Last evaluated 2025-10-20.

Conditions:
PEX6-related disorder. Also called: PEX6-related disorders; PEX6-related condition.
Peroxisome biogenesis disorder. Identifiers: Orphanet 79189, MedGen C1832200, MONDO:0019234. Disease mechanism: loss of function.

Submissions (3):

PreventionGenetics, part of Exact Sciences
Classification: Uncertain significance for PEX6-related condition. Last evaluated: 2025-10-20. Review status: criteria provided, single submitter. Criteria: ACMG Guidelines, 2015. Collection method: clinical testing. Allele origin: germline.
Comment: The PEX6 c.1570G>A variant is predicted to result in the amino acid substitution p.Ala524Thr. To our knowledge, this variant has not been reported in the literature or in a large population database (gnomAD), indicating this variant is rare. At this time, the clinical significance of this variant is uncertain due to the absence of conclusive functional and genetic evidence.

Labcorp Genetics (formerly Invitae), Labcorp
Classification: Uncertain significance for Peroxisome biogenesis disorder. Last evaluated: 2024-03-12. Review status: criteria provided, single submitter. Criteria: Invitae Variant Classification Sherloc (09022015). Collection method: clinical testing. Allele origin: germline.
Comment: This sequence change replaces alanine, which is neutral and non-polar, with threonine, which is neutral and polar, at codon 524 of the PEX6 protein (p.Ala524Thr). This variant is not present in population databases (gnomAD no frequency). This variant has not been reported in the literature in individuals affected with PEX6-related conditions. ClinVar contains an entry for this variant (Variation ID: 2197145). Advanced modeling of protein sequence and biophysical properties (such as structural, functional, and spatial information, amino acid conservation, physicochemical variation, residue mobility, and thermodynamic stability) performed at Invitae indicates that this missense variant is not expected to disrupt PEX6 protein function with a negative predictive value of 95%. In summary, the available evidence is currently insufficient to determine the role of this variant in disease. Therefore, it has been classified as a Variant of Uncertain Significance.

Blueprint Genetics
Classification: Uncertain significance. Last evaluated: 2022-10-14. Review status: criteria provided, single submitter. Criteria: ACMG Guidelines, 2015. Collection method: clinical testing. Allele origin: germline.

NM_000287.4(PEX6):c.1570G>A (p.Ala524Thr)

Gene: PEX6 (peroxisomal biogenesis factor 6; minus strand). Cytogenetic location: 6p21.1.
Variant type: single nucleotide variant.
Coding change: c.1570G>A on transcript NM_000287.4 (MANE Select); coding-DNA position 1570, G replaced by A.
Protein change: p.Ala524Thr; replaces alanine 524 with threonine.
Molecular consequence: missense variant. On other transcripts: non-coding transcript variant (1).
Genome position (GRCh38, 1-based): chr6:42,968,408, C>T on the plus strand (G>A on the coding strand, the complement: PEX6 is on the minus strand). VCF-style: chr6-42968408-C-T. GRCh37 (hg19) VCF-style: chr6-42936146-C-T.
Other names: c.1570G>A (NM_000287.3); c.1306G>A, p.Ala436Thr (NM_001316313.2); short protein forms A436T, A524T.
Identifiers: ClinVar variation 2197145 (VCV002197145.5), dbSNP rs2481225006, ClinGen allele CA364154382.